The following is an entry in ClinVar:

NM_005908.4(MANBA):c.950A>C (p.Lys317Thr)

Gene: MANBA (mannosidase beta; minus strand). Cytogenetic location: 4q24.
Variant type: single nucleotide variant.
Coding change: c.950A>C on transcript NM_005908.4 (MANE Select); coding-DNA position 950, A replaced by C.
Protein change: p.Lys317Thr; replaces lysine 317 with threonine.
Molecular consequence: missense variant.
Genome position (GRCh38, 1-based): chr4:102,689,584, T>G on the plus strand (A>C on the coding strand, the complement: MANBA is on the minus strand). VCF-style: chr4-102689584-T-G. GRCh37 (hg19) VCF-style: chr4-103610741-T-G.
Other names: short protein forms K317T.
Identifiers: ClinVar variation 2421367 (VCV002421367.5), dbSNP rs767645658, ClinGen allele CA3027064.

ClinVar aggregate classification (germline): Uncertain significance (1 of 4 stars; one submission).

Conditions:
Beta-D-mannosidosis (MANSB). Also called: MANNOSIDOSIS, BETA A, LYSOSOMAL; BETA-MANNOSIDASE DEFICIENCY; LYSOSOMAL BETA-MANNOSIDASE DEFICIENCY; Beta-Mannosidosis. Identifiers: Orphanet 118, MedGen C4048196, MONDO:0009562, OMIM 248510.

Allele frequency attached by ClinVar (database versions not stated): gnomAD exomes 0.00001; ExAC 0.00001.
gnomAD v4.1: 11 of 1,583,904 alleles (0.00069%); highest among the groups gnomAD compares: Non-Finnish European, 0.00078%; no homozygotes.

Submission:

Labcorp Genetics (formerly Invitae), Labcorp
Classification: Uncertain significance for Beta-D-mannosidosis. Last evaluated: 2024-10-24. Review status: criteria provided, single submitter. Criteria: Invitae Variant Classification Sherloc (09022015). Collection method: clinical testing. Allele origin: germline.
Comment: This sequence change replaces lysine, which is basic and polar, with threonine, which is neutral and polar, at codon 317 of the MANBA protein (p.Lys317Thr). This variant is present in population databases (rs767645658, gnomAD 0.0009%). This variant has not been reported in the literature in individuals affected with MANBA-related conditions. ClinVar contains an entry for this variant (Variation ID: 2421367). Invitae Evidence Modeling of protein sequence and biophysical properties (such as structural, functional, and spatial information, amino acid conservation, physicochemical variation, residue mobility, and thermodynamic stability) indicates that this missense variant is not expected to disrupt MANBA protein function with a negative predictive value of 80%. In summary, the available evidence is currently insufficient to determine the role of this variant in disease. Therefore, it has been classified as a Variant of Uncertain Significance.